The following is an entry in ClinVar:

ClinVar aggregate classification (germline): Uncertain significance (1 of 4 stars; one submission).

Allele frequency attached by ClinVar (database versions not stated): gnomAD exomes below 0.00001.

Submission:

Labcorp Genetics (formerly Invitae), Labcorp
Classification: Uncertain significance. Last evaluated: 2021-05-25. Review status: criteria provided, single submitter. Criteria: Invitae Variant Classification Sherloc (09022015). Collection method: clinical testing. Allele origin: germline.
Comment: This sequence change replaces lysine with glutamic acid at codon 1277 of the POLE protein (p.Lys1277Glu). The lysine residue is highly conserved and there is a small physicochemical difference between lysine and glutamic acid. This variant is not present in population databases (ExAC no frequency). This variant has not been reported in the literature in individuals with POLE-related conditions. Algorithms developed to predict the effect of missense changes on protein structure and function (SIFT, PolyPhen-2, Align-GVGD) all suggest that this variant is likely to be tolerated, but these predictions have not been confirmed by published functional studies and their clinical significance is uncertain. In summary, the available evidence is currently insufficient to determine the role of this variant in disease. Therefore, it has been classified as a Variant of Uncertain Significance.

NM_006231.4(POLE):c.3829A>G (p.Lys1277Glu)

Gene: POLE (DNA polymerase epsilon, catalytic subunit; minus strand). Cytogenetic location: 12q24.33.
Variant type: single nucleotide variant.
Coding change: c.3829A>G on transcript NM_006231.4 (MANE Select); coding-DNA position 3829, A replaced by G.
Protein change: p.Lys1277Glu; replaces lysine 1277 with glutamic acid.
Molecular consequence: missense variant.
Genome position (GRCh38, 1-based): chr12:132,649,482, T>C on the plus strand (A>G on the coding strand, the complement: POLE is on the minus strand). VCF-style: chr12-132649482-T-C. GRCh37 (hg19) VCF-style: chr12-133226068-T-C.
Other names: short protein forms K1277E.
Identifiers: ClinVar variation 1370202 (VCV001370202.8), dbSNP rs2138609700, ClinGen allele CA387385549.
Genomic context (GRCh38, chr12:132,649,482, plus strand): 5'-ACTCCAGACGCTGCCTCTTCCTGCGGGCGAGGCGCTGCCGGGCCTGCAGCTGCCACTTCT[T>C]CTTGTGGAACCGGAGCCAGACAAGCCATTCCTCCTGGGATGGATGGTGAGCACAGCCAGT-3'
Protein context (NP_006222.2, residues 1267-1287): EWLVWLRFHK[Lys1277Glu]KWQLQARQRL